The following is an entry in ClinVar:

NM_000451.4(SHOX):c.60C>A (p.Asn20Lys)

Gene: SHOX (SHOX homeobox; plus strand). Cytogenetic location: Xp22.33.
Variant type: single nucleotide variant.
Coding change: c.60C>A on transcript NM_000451.4 (MANE Select); coding-DNA position 60, C replaced by A.
Protein change: p.Asn20Lys; replaces asparagine 20 with lysine.
Molecular consequence: missense variant.
Genome position (GRCh38, 1-based): chrX:630,957, C>A. VCF-style: chrX-630957-C-A. GRCh37 (hg19) VCF-style: chrX-591692-C-A.
Other names: c.60C>A, p.Asn20Lys (NM_006883.2); short protein forms N20K.
Identifiers: ClinVar variation 3336436 (VCV003336436.1).

ClinVar aggregate classification (germline): Uncertain significance (1 of 4 stars; one submission).

gnomAD v4.1: 4 of 1,613,812 alleles (0.00025%); highest among the groups gnomAD compares: Middle Eastern, 0.017%; no homozygotes.

Submission:

Women's Health and Genetics/Laboratory Corporation of America, LabCorp
Classification: Uncertain significance. Last evaluated: 2024-05-22. Review status: criteria provided, single submitter. Criteria: LabCorp Variant Classification Summary - May 2015. Collection method: clinical testing. Allele origin: germline.
Comment: Variant summary: SHOX c.60C>A (p.Asn20Lys) results in a non-conservative amino acid change in the encoded protein sequence. Four of five in-silico tools predict a benign effect of the variant on protein function. The variant allele was found at a frequency of 4e-06 in 250898 control chromosomes. The available data on variant occurrences in the general population are insufficient to allow any conclusion about variant significance. To our knowledge, no occurrence of c.60C>A in individuals affected with SHOX-related conditions and no experimental evidence demonstrating its impact on protein function have been reported. No submitters have cited clinical-significance assessments for this variant to ClinVar. Based on the evidence outlined above, the variant was classified as uncertain significance.